The following is an entry in ClinVar:

NM_016222.4(DDX41):c.472G>A (p.Glu158Lys)

Gene: DDX41 (DEAD-box helicase 41; minus strand). Cytogenetic location: 5q35.3.
Variant type: single nucleotide variant.
Coding change: c.472G>A on transcript NM_016222.4 (MANE Select); coding-DNA position 472, G replaced by A.
Protein change: p.Glu158Lys; replaces glutamic acid 158 with lysine.
Molecular consequence: missense variant.
Genome position (GRCh38, 1-based): chr5:177,515,784, C>T on the plus strand (G>A on the coding strand, the complement: DDX41 is on the minus strand). VCF-style: chr5-177515784-C-T. GRCh37 (hg19) VCF-style: chr5-176942785-C-T.
Other names: c.94G>A, p.Glu32Lys (NM_001321732.2, NM_001321830.2); short protein forms E158K, E32K.
Identifiers: ClinVar variation 2246713 (VCV002246713.3), dbSNP rs1761199936, ClinGen allele CA362376193.

ClinVar aggregate classification (germline): Uncertain significance (1 of 4 stars; one submission).

Conditions:
Inborn genetic diseases. Identifiers: MedGen C0950123, MeSH D030342.

Allele frequency attached by ClinVar (database versions not stated): gnomAD exomes below 0.00001; TOPMed below 0.00001.
gnomAD v4.1: 2 of 1,614,186 alleles (0.00012%); highest among the groups gnomAD compares: African/African-American, 0.0013%; no homozygotes.

Submission:

Ambry Genetics
Classification: Uncertain significance for Inborn genetic diseases. Last evaluated: 2025-02-06. Review status: criteria provided, single submitter. Criteria: Ambry Variant Classification Scheme 2023. Collection method: clinical testing. Allele origin: germline.
Comment: The p.E158K variant (also known as c.472G>A), located in coding exon 6 of the DDX41 gene, results from a G to A substitution at nucleotide position 472. The glutamic acid at codon 158 is replaced by lysine, an amino acid with similar properties. This amino acid position is conserved. In addition, this alteration is predicted to be tolerated by in silico analysis. Based on the available evidence, the clinical significance of this variant remains unclear.